The following is an entry in ClinVar:

ClinVar aggregate classification (germline): Uncertain significance (1 of 4 stars; one submission).

Submission:

GeneDx
Classification: Uncertain significance. Last evaluated: 2023-04-11. Review status: criteria provided, single submitter. Criteria: GeneDx Variant Classification Process June 2021. Collection method: clinical testing. Allele origin: germline. Affected: yes.
Comment: Not observed at significant frequency in large population cohorts (gnomAD); In silico analysis supports that this missense variant does not alter protein structure/function; Has not been previously published as pathogenic or benign to our knowledge

NM_020338.4(ZMIZ1):c.1231C>T (p.Pro411Ser)

Gene: ZMIZ1 (zinc finger MIZ-type containing 1; plus strand). Cytogenetic location: 10q22.3.
Variant type: single nucleotide variant.
Coding change: c.1231C>T on transcript NM_020338.4 (MANE Select); coding-DNA position 1231, C replaced by T.
Protein change: p.Pro411Ser; replaces proline 411 with serine.
Molecular consequence: missense variant.
Genome position (GRCh38, 1-based): chr10:79,296,471, C>T. VCF-style: chr10-79296471-C-T. GRCh37 (hg19) VCF-style: chr10-81056228-C-T.
Other names: short protein forms P411S.
Identifiers: ClinVar variation 3343040 (VCV003343040.1).
Genomic context (GRCh38, chr10:79,296,471, plus strand): 5'-TGGCTATGTGACGTTGGCAACATTGAACGTGTTTCCCCTCTCCTTTCTCTCCCACCACAG[C>T]CCAACTATGGAAACCAGCAATATGGACCAAACAGCCAGTTCCCCACCCAGCCAGGCCAGT-3'
Protein context (NP_065071.1, residues 401-421): QNIKRPYPGE[Pro411Ser]NYGNQQYGPN